The following is an entry in ClinVar:

ClinVar aggregate classification (germline): Uncertain significance. Review status: criteria provided, multiple submitters, no conflicts (2 of 4 stars). 2 submissions from 2 submitters: Uncertain significance (2). Last evaluated 2025-12-18.

Conditions:
Hereditary cancer-predisposing syndrome. Also called: Hereditary Cancer Syndrome; Hereditary neoplastic syndrome; Neoplastic Syndromes, Hereditary; Tumor predisposition. Identifiers: Orphanet 140162, MedGen C0027672, MeSH D009386, MONDO:0015356.
EGFR-related lung cancer (EGFR). Identifiers: MedGen CN130014.

Allele frequency attached by ClinVar (database versions not stated): gnomAD exomes below 0.00001 and 0.00001; gnomAD 0.00001; TOPMed 0.00001; ExAC 0.00002.
gnomAD v4.1: 15 of 1,613,990 alleles (0.00093%); highest among the groups gnomAD compares: East Asian, 0.013%; no homozygotes.

Submissions (2):

Labcorp Genetics (formerly Invitae), Labcorp
Classification: Uncertain significance for EGFR-related lung cancer. Last evaluated: 2025-12-18. Review status: criteria provided, single submitter. Criteria: Invitae Variant Classification Sherloc (09022015). Collection method: clinical testing. Allele origin: germline.
Comment: This sequence change replaces aspartic acid, which is acidic and polar, with asparagine, which is neutral and polar, at codon 1014 of the EGFR protein (p.Asp1014Asn). This variant is present in population databases (rs751192280, gnomAD 0.006%). This missense change has been observed in individual(s) with lung cancer (PMID: 30610926). ClinVar contains an entry for this variant (Variation ID: 1431566). Invitae Evidence Modeling of protein sequence and biophysical properties (such as structural, functional, and spatial information, amino acid conservation, physicochemical variation, residue mobility, and thermodynamic stability) indicates that this missense variant is not expected to disrupt EGFR protein function with a negative predictive value of 80%. In summary, the available evidence is currently insufficient to determine the role of this variant in disease. Therefore, it has been classified as a Variant of Uncertain Significance.

Ambry Genetics
Classification: Uncertain significance for Hereditary cancer-predisposing syndrome. Last evaluated: 2025-01-06. Review status: criteria provided, single submitter. Criteria: Ambry Variant Classification Scheme 2023. Collection method: clinical testing. Allele origin: germline.
Comment: The p.D1014N variant (also known as c.3040G>A), located in coding exon 25 of the EGFR gene, results from a G to A substitution at nucleotide position 3040. The aspartic acid at codon 1014 is replaced by asparagine, an amino acid with highly similar properties. This variant has been reported as germline in cohorts of Chinese patients with lung cancer (Lu S et al. J Thorac Oncol, 2019 Apr;14:732-736; Lin X et al. Front Oncol, 2021 Nov;11:774156). It was also detected in an individual with a clinical diagnosis of Peutz-Jeghers syndrome (PJS) caused by a frameshift in STK11 (Gu GL et al. World J Gastroenterol, 2021 Oct;27:6631-6646). This amino acid position is highly conserved in available vertebrate species. In addition, this alteration is predicted to be tolerated by in silico analysis. Based on the available evidence, the clinical significance of this variant remains unclear.

Literature cited by the submitters: PubMed 30610926 (cited by Labcorp Genetics (formerly Invitae), Labcorp and Ambry Genetics); PubMed 34754157 (cited by Ambry Genetics); PubMed 34869019 (cited by Ambry Genetics).

NM_005228.5(EGFR):c.3040G>A (p.Asp1014Asn)

Gene: EGFR (epidermal growth factor receptor; plus strand). Cytogenetic location: 7p11.2.
Variant type: single nucleotide variant.
Coding change: c.3040G>A on transcript NM_005228.5 (MANE Select); coding-DNA position 3040, G replaced by A.
Protein change: p.Asp1014Asn; replaces aspartic acid 1014 with asparagine.
Molecular consequence: missense variant.
Genome position (GRCh38, 1-based): chr7:55,201,281, G>A. VCF-style: chr7-55201281-G-A. GRCh37 (hg19) VCF-style: chr7-55268974-G-A.
Other names: c.2905G>A, p.Asp969Asn (NM_001346897.2, NM_001346899.2); c.3040G>A, p.Asp1014Asn (NM_001346898.2); c.2881G>A, p.Asp961Asn (NM_001346900.2); c.2239G>A, p.Asp747Asn (NM_001346941.2); c.3040G>A (NM_005228.3); short protein forms D1014N, D961N, D747N, D969N.
Identifiers: ClinVar variation 1431566 (VCV001431566.9), dbSNP rs751192280, ClinGen allele CA4266245.
Genomic context (GRCh38, chr7:55,201,281, plus strand): 5'-GACTCCAACTTCTACCGTGCCCTGATGGATGAAGAAGACATGGACGACGTGGTGGATGCC[G>A]ACGAGTACCTCATCCCACAGCAGGGCTTCTTCAGCAGCCCCTCCACGTCACGGACTCCCC-3'
Protein context (NP_005219.2, residues 1004-1024): EEDMDDVVDA[Asp1014Asn]EYLIPQQGFF